The following is an entry in ClinVar:

ClinVar aggregate classification (germline): Uncertain significance. Review status: criteria provided, multiple submitters, no conflicts (2 of 4 stars). 7 submissions from 7 submitters: Uncertain significance (6). 1 of the submissions does not count toward it. Last evaluated 2025-10-29.

Conditions:
GALNT12-related disorder. Also called: GALNT12-related condition.
Hereditary cancer-predisposing syndrome. Also called: Tumor predisposition; Hereditary neoplastic syndrome; Hereditary Cancer Syndrome; Neoplastic Syndromes, Hereditary. Identifiers: Orphanet 140162, MedGen C0027672, MeSH D009386, MONDO:0015356.
Colorectal cancer, susceptibility to, 1. Also called: COLORECTAL ADENOMA AND CANCER, SUSCEPTIBILITY TO; COLORECTAL CANCER, SUSCEPTIBILITY TO, ON CHROMOSOME 9. Identifiers: MedGen C1837315, MONDO:0012132, OMIM 608812.

Allele frequency attached by ClinVar (database versions not stated): gnomAD exomes 0.00004; gnomAD 0.00009 and 0.00010; TOPMed 0.00011.
gnomAD v4.1: 78 of 1,613,946 alleles (0.0048%); highest among the groups gnomAD compares: Admixed American, 0.018%; no homozygotes.

Submissions (7):

Dasa
Classification: Uncertain significance. Last evaluated: 2025-10-29. Review status: criteria provided, single submitter. Criteria: DASA Assertion Criteria. Collection method: clinical testing. Allele origin: germline.
Comment: NM_024642.5(GALNT12):c.890G>A (p.Arg297Gln) is a missense variant that results in the substitution of arginine with glutamine. This variant is rare in population databases. Computational prediction algorithms are consistent with a benign effect. The currently available literature and clinical evidence are not sufficient to establish a definitive association between this variant and the reported condition. Therefore, this variant is classified as a variant of uncertain significance.

Labcorp Genetics (formerly Invitae), Labcorp
Classification: Uncertain significance. Last evaluated: 2025-10-13. Review status: criteria provided, single submitter. Criteria: Invitae Variant Classification Sherloc (09022015). Collection method: clinical testing. Allele origin: germline.
Comment: This sequence change replaces arginine, which is basic and polar, with glutamine, which is neutral and polar, at codon 297 of the GALNT12 protein (p.Arg297Gln). This variant is present in population databases (rs751386354, gnomAD 0.08%), and has an allele count higher than expected for a pathogenic variant. This variant has not been reported in the literature in individuals affected with GALNT12-related conditions. ClinVar contains an entry for this variant (Variation ID: 241519). Invitae Evidence Modeling of protein sequence and biophysical properties (such as structural, functional, and spatial information, amino acid conservation, physicochemical variation, residue mobility, and thermodynamic stability) indicates that this missense variant is not expected to disrupt GALNT12 protein function with a negative predictive value of 80%. In summary, the available evidence is currently insufficient to determine the role of this variant in disease. Therefore, it has been classified as a Variant of Uncertain Significance.

Institute for Biomarker Research, Medical Diagnostic Laboratories, L.L.C.
Classification: Uncertain significance for Hereditary cancer-predisposing syndrome. Last evaluated: 2025-08-04. Review status: criteria provided, single submitter. Criteria: ACMG Guidelines, 2015. Collection method: clinical testing. Allele origin: germline.
Comment: The missense variant NM_024642.5(GALNT12):c.890G>A (p.Arg297Gln) has not been reported previously as a pathogenic variant nor as a benign variant, to our knowledge. There is a small physicochemical difference between arginine and glutamine, which is not likely to impact secondary protein structure as these residues share similar properties. The p.Arg297Gln variant is not predicted to introduce a novel splice site by any splice site algorithm. The p.Arg297Gln missense variant is predicted to be tolerated by both SIFT or PolyPhen2. The nucleotide c.890 in GALNT12 is not conserved according to a GERP++ and PhyloP analysis of 100 vertebrates. For these reasons, this variant has been classified as Uncertain Significance.

Fulgent Genetics
Classification: Uncertain significance for Colorectal cancer, susceptibility to, 1. Last evaluated: 2024-06-19. Review status: criteria provided, single submitter. Criteria: ACMG Guidelines, 2015. Collection method: clinical testing. Allele origin: germline.

Baylor Genetics
Classification: Uncertain significance for Colorectal cancer, susceptibility to, 1. Last evaluated: 2024-03-28. Review status: criteria provided, single submitter. Criteria: ACMG Guidelines, 2015. Collection method: clinical testing. Allele origin: unknown.

Ambry Genetics
Classification: Uncertain significance. Last evaluated: 2023-05-26. Review status: criteria provided, single submitter. Criteria: Ambry Variant Classification Scheme 2023. Collection method: clinical testing. Allele origin: germline.
Comment: The p.R297Q variant (also known as c.890G>A), located in coding exon 4 of the GALNT12 gene, results from a G to A substitution at nucleotide position 890. The arginine at codon 297 is replaced by glutamine, an amino acid with highly similar properties. This amino acid position is not well conserved in available vertebrate species. In addition, this alteration is predicted to be tolerated by in silico analysis. The evidence for this gene-disease relationship is limited; therefore, the clinical significance of this alteration is unclear.

PreventionGenetics, part of Exact Sciences
Classification: Uncertain significance for GALNT12-related condition. Last evaluated: 2024-07-12. Review status: no assertion criteria provided. Collection method: clinical testing. Allele origin: germline. Not counted in ClinVar's aggregate classification.
Comment: The GALNT12 c.890G>A variant is predicted to result in the amino acid substitution p.Arg297Gln. To our knowledge, this variant has not been reported in the literature. This variant is reported in 0.058% of alleles in individuals of Ashkenazi Jewish descent in gnomAD. This variant is interpreted as a variant of uncertain significance in ClinVar. At this time, the clinical significance of this variant is uncertain due to the absence of conclusive functional and genetic evidence.

NM_024642.5(GALNT12):c.890G>A (p.Arg297Gln)

Gene: GALNT12 (polypeptide N-acetylgalactosaminyltransferase 12; plus strand). Cytogenetic location: 9q22.33.
Variant type: single nucleotide variant.
Coding change: c.890G>A on transcript NM_024642.5 (MANE Select); coding-DNA position 890, G replaced by A.
Protein change: p.Arg297Gln; replaces arginine 297 with glutamine.
Molecular consequence: missense variant.
Genome position (GRCh38, 1-based): chr9:98,831,930, G>A. VCF-style: chr9-98831930-G-A. GRCh37 (hg19) VCF-style: chr9-101594212-G-A.
Other names: short protein forms R297Q.
Identifiers: ClinVar variation 241519 (VCV000241519.22), dbSNP rs751386354, ClinGen allele CA5154087.